The following is an entry in ClinVar:

NM_003722.5(TP63):c.487C>T (p.Pro163Ser)

Gene: TP63 (tumor protein p63; plus strand). Cytogenetic location: 3q28.
Variant type: single nucleotide variant.
Coding change: c.487C>T on transcript NM_003722.5 (MANE Select); coding-DNA position 487, C replaced by T.
Protein change: p.Pro163Ser; replaces proline 163 with serine.
Molecular consequence: missense variant. On other transcripts: intron variant (2).
Genome position (GRCh38, 1-based): chr3:189,808,434, C>T. VCF-style: chr3-189808434-C-T. GRCh37 (hg19) VCF-style: chr3-189526223-C-T.
Other names: c.487C>T, p.Pro163Ser (NM_001114978.2, NM_001114979.2, NM_001329144.2 and 1 more transcripts); c.205C>T, p.Pro69Ser (NM_001114980.2, NM_001114981.2, NM_001114982.2 and 2 more transcripts); c.481C>T, p.Pro161Ser (NM_001329964.2); c.42+18592C>T (NM_001329146.2, NM_001329150.2); short protein forms P163S, P161S, P69S.
Identifiers: ClinVar variation 571735 (VCV000571735.3), dbSNP rs1560204733, ClinGen allele CA355750663.

ClinVar aggregate classification (germline): Uncertain significance. Review status: criteria provided, multiple submitters, no conflicts (2 of 4 stars). 2 submissions from 2 submitters: Uncertain significance (2). Last evaluated 2025-10-21.

Conditions:
TP63-Related Spectrum Disorders.

Submissions (2):

GeneDx
Classification: Uncertain significance. Last evaluated: 2025-10-21. Review status: criteria provided, single submitter. Criteria: GeneDx Variant Classification Process June 2021. Collection method: clinical testing. Allele origin: germline.
Comment: Not observed at significant frequency in large population cohorts (gnomAD); In silico analysis supports that this missense variant has a deleterious effect on protein structure/function; Has not been previously published as pathogenic or benign to our knowledge; Also known as p.(P124S)

Labcorp Genetics (formerly Invitae), Labcorp
Classification: Uncertain significance for TP63-Related Spectrum Disorders. Last evaluated: 2018-01-08. Review status: criteria provided, single submitter. Criteria: Invitae Variant Classification Sherloc (09022015). Collection method: clinical testing. Allele origin: germline.
Comment: This sequence change replaces proline with serine at codon 163 of the TP63 protein (p.Pro163Ser). The proline residue is highly conserved and there is a moderate physicochemical difference between proline and serine. This variant is not present in population databases (ExAC no frequency). This variant has not been reported in the literature in individuals with TP63-related disease. Algorithms developed to predict the effect of missense changes on protein structure and function do not agree on the potential impact of this missense change (SIFT: "Tolerated"; PolyPhen-2: "Probably Damaging"; Align-GVGD: "Class C0"). In summary, the available evidence is currently insufficient to determine the role of this variant in disease. Therefore, it has been classified as a Variant of Uncertain Significance.